The following is an entry in ClinVar:

GRCh38/hg38 Xq26.3-27.3(chrX:135882897-144759021)x3

Genes: MAGEC2 (MAGE family member C2; minus strand), MAGEC3 (MAGE family member C3; plus strand), MAP7D3 (MAP7 domain containing 3; minus strand), MIR320D2 (microRNA 320d-2; minus strand), MCF2 (MCF.2 cell line derived transforming sequence; minus strand) and 95 more. Cytogenetic location: Xq26.3-27.3.
Variant type: copy number gain.
Change: copy number 3 of chrX:135,882,897-144,759,021 (8.88 Mb, GRCh38 coordinates, 1-based), cytogenetic band Xq26.3-27.3.
Identifiers: ClinVar variation 4974710 (VCV004974710.1).

ClinVar aggregate classification (germline): Pathogenic (1 of 4 stars; one submission).

Submission:

Clinical Genomics Laboratory, Laboratory for Precision Diagnostics, University of Washington
Classification: Pathogenic. Last evaluated: 2025-01-09. Review status: criteria provided, single submitter. Criteria: ACMG/ClinGen CNV Guidelines, 2019. Collection method: clinical testing. Allele origin: unknown. Affected: yes. Observed: 1 variant allele.
Comment: This interstitial duplication is approximately 8.9 Mb in size and contains 36 protein-coding genes. Notably, this duplication encompasses SOX3 (313430). Duplications of SOX3 have been found multiple times in people with neural tube defects (see ClinGen for a summary). Most recently, PMID: 35098650 described a family in which a 433 kb duplication encompassing only SOX3 was found in three generations of people with a neural tube defect. PMID: 31299102 reported three unrelated fetuses with lumbosacral neural tube defects who each had XX sex chromosomes and a duplication of SOX3. One was inherited from an unaffected mother found to have skewed X-inactivation. In the second fetus, the duplication was inherited from an unaffected father (suggesting incomplete penetrance) whose mother had terminated a pregnancy because the fetus had anencephaly. Parental testing was not done in the third case, in which the duplication was 9.1 Mb in size. Duplications of SOX3 also appear at low frequency in databases of copy number variants found in healthy control people, which is further evidence of incomplete penetrance. Duplications of SOX3 are also associated with hypopituitarism, differences in sex development, and intellectual disability (see PMID: 33184694 for a review).

Literature cited by the submitters: PubMed 35098650; PubMed 33184694; PubMed 31299102.